The following is an entry in ClinVar:

ClinVar aggregate classification (germline): Uncertain significance. Review status: criteria provided, multiple submitters, no conflicts (2 of 4 stars). 2 submissions from 2 submitters: Uncertain significance (2). Last evaluated 2022-10-02.

Conditions:
Familial thoracic aortic aneurysm and aortic dissection (TAAD). Also called: Thoracic aortic aneurysms and dissections. Identifiers: Orphanet 91387, MedGen C4707243, MONDO:0019625.
Aortic aneurysm, familial thoracic 7 (AAT7). Also called: AORTIC DISSECTION, FAMILIAL, WITH OR WITHOUT AORTIC ANEURYSM. Identifiers: MedGen C3151077, MONDO:0013418, OMIM 613780.

gnomAD v4.1: 2 of 1,614,106 alleles (0.00012%); highest among the groups gnomAD compares: African/African-American, 0.0027%; no homozygotes.

Submissions (2):

Ambry Genetics
Classification: Uncertain significance for Familial thoracic aortic aneurysm and aortic dissection. Last evaluated: 2022-10-02. Review status: criteria provided, single submitter. Criteria: Ambry Variant Classification Scheme 2023. Collection method: clinical testing. Allele origin: germline.
Comment: The p.P687R variant (also known as c.2060C>G), located in coding exon 12 of the MYLK gene, results from a C to G substitution at nucleotide position 2060. The proline at codon 687 is replaced by arginine, an amino acid with dissimilar properties. This amino acid position is conserved. In addition, the in silico prediction for this alteration is inconclusive. Since supporting evidence is limited at this time, the clinical significance of this alteration remains unclear.

Labcorp Genetics (formerly Invitae), Labcorp
Classification: Uncertain significance for Aortic aneurysm, familial thoracic 7. Last evaluated: 2022-02-05. Review status: criteria provided, single submitter. Criteria: Invitae Variant Classification Sherloc (09022015). Collection method: clinical testing. Allele origin: germline.
Comment: This sequence change replaces proline, which is neutral and non-polar, with arginine, which is basic and polar, at codon 687 of the MYLK protein (p.Pro687Arg). This variant is not present in population databases (gnomAD no frequency). This variant has not been reported in the literature in individuals affected with MYLK-related conditions. ClinVar contains an entry for this variant (Variation ID: 568727). Advanced modeling of protein sequence and biophysical properties (such as structural, functional, and spatial information, amino acid conservation, physicochemical variation, residue mobility, and thermodynamic stability) performed at Invitae indicates that this missense variant is not expected to disrupt MYLK protein function. In summary, the available evidence is currently insufficient to determine the role of this variant in disease. Therefore, it has been classified as a Variant of Uncertain Significance.

NM_053025.4(MYLK):c.2060C>G (p.Pro687Arg)

Gene: MYLK (myosin light chain kinase; minus strand). Cytogenetic location: 3q21.1.
Variant type: single nucleotide variant.
Coding change: c.2060C>G on transcript NM_053025.4 (MANE Select); coding-DNA position 2060, C replaced by G.
Protein change: p.Pro687Arg; replaces proline 687 with arginine.
Molecular consequence: missense variant.
Genome position (GRCh38, 1-based): chr3:123,708,778, G>C on the plus strand (C>G on the coding strand, the complement: MYLK is on the minus strand). VCF-style: chr3-123708778-G-C. GRCh37 (hg19) VCF-style: chr3-123427625-G-C.
Other names: c.1532C>G, p.Pro511Arg (NM_001321309.2); c.1853C>G, p.Pro618Arg (NM_053026.4, NM_053028.4); c.2060C>G, p.Pro687Arg (NM_053027.4); short protein forms P687R, P618R, P511R.
Identifiers: ClinVar variation 568727 (VCV000568727.10), dbSNP rs144923036, ClinGen allele CA354234352.
Genomic context (GRCh38, chr3:123,708,778, plus strand): 5'-TGGGTGCGGACCTCTCCAGCGCTGTTCCAGGCCTCGCAGGTGTACGTGCCCGTGTCCTCC[G>C]GGAACACTTCCTGGATACAAAGGCTGTGCTGAGTTCCTCTCTGTTCAAAGTGGAAGTCCT-3'
Protein context (NP_444253.3, residues 677-697): QHSLCIQEVF[Pro687Arg]EDTGTYTCEA